The following is an entry in ClinVar:

NM_015629.4(PRPF31):c.633del (p.Met212fs)

Gene: PRPF31 (pre-mRNA processing factor 31; plus strand). Cytogenetic location: 19q13.42.
Variant type: Deletion.
Coding change: c.633del on transcript NM_015629.4 (MANE Select); coding-DNA position 633, one base deleted (G; older notation c.633delG).
Protein change: p.Met212fs; shifts the reading frame from methionine 212.
Molecular consequence: frameshift variant.
Genome position (GRCh38, 1-based): chr19:54,123,854, G deleted; the last of 2 consecutive G bases (chr19:54,123,853-54,123,854); deleting either gives the same sequence. VCF-style (leftmost placement, unchanged base first): chr19-54123852-CG-C. GRCh37 (hg19) VCF-style: chr19-54627231-CG-C.
Other names: short protein forms M212fs.
Identifiers: ClinVar variation 1065711 (VCV001065711.1), dbSNP rs2146421305, ClinGen allele CA2499225592.
Genomic context (GRCh38, chr19:54,123,852, plus strand): 5'-TGCGACATGGCGCTGGAGCTGAACGCCTCCAAGCACCGCATCTACGAGTATGTGGAGTCC[CG>C]GATGTCCTTCATCGCACCCAACCTGTCCATCATTATCGGGGCATCCACGGCCGCCAAGAT-3'

ClinVar aggregate classification (germline): Likely pathogenic (1 of 4 stars; one submission).

Conditions:
Retinitis pigmentosa 11 (RP11). Identifiers: Orphanet 791, MedGen C1838601, MONDO:0010828, OMIM 600138.

Submission:

Ocular Genomics Institute, Massachusetts Eye and Ear
Classification: Likely pathogenic for Retinitis pigmentosa 11. Last evaluated: 2021-04-08. Review status: criteria provided, single submitter. Criteria: ACMG Guidelines, 2015. Collection method: research. Allele origin: germline. Affected: yes.
Comment: Through a review of available evidence we were able to apply the following criteria: PVS1, PM2. Based on this evidence we have classified this variant as Likely Pathogenic.